The following is an entry in ClinVar:

NM_152296.5(ATP1A3):c.1103C>T (p.Thr368Ile)

Gene: ATP1A3 (ATPase Na+/K+ transporting subunit alpha 3; minus strand). Cytogenetic location: 19q13.2.
Variant type: single nucleotide variant.
Coding change: c.1103C>T on transcript NM_152296.5 (MANE Select); coding-DNA position 1103, C replaced by T.
Protein change: p.Thr368Ile; replaces threonine 368 with isoleucine.
Molecular consequence: missense variant.
Genome position (GRCh38, 1-based): chr19:41,981,997, G>A on the plus strand (C>T on the coding strand, the complement: ATP1A3 is on the minus strand). VCF-style: chr19-41981997-G-A. GRCh37 (hg19) VCF-style: chr19-42486149-G-A.
Other names: c.1136C>T, p.Thr379Ile (NM_001256213.2); c.1142C>T, p.Thr381Ile (NM_001256214.2); short protein forms T368I, T379I, T381I.
Identifiers: ClinVar variation 660728 (VCV000660728.8), dbSNP rs1599719492, ClinGen allele CA406051126.
Genomic context (GRCh38, chr19:41,981,997, plus strand): 5'-TGGATCTGGTTGTCAAACCACATGTGGGCGACTGTCATGCGGTTCTGAGTGAGGGTCCCT[G>A]TCTTATCTGAGCAGATGGTGGACGTGGAGCCCAGGGTTTCTACAGCCTCCAGGTTCTTCA-3'
Protein context (NP_689509.1, residues 358-378): GSTSTICSDK[Thr368Ile]GTLTQNRMTV

ClinVar aggregate classification (germline): Uncertain significance (1 of 4 stars; one submission).

Conditions:
Dystonia 12 (DYT12). Also called: Rapid-Onset Dystonia-Parkinsonism (RDP); DYT-ATP1A3. Identifiers: Orphanet 71517, MedGen C1868681, MONDO:0007496, OMIM 128235.

Submission:

Labcorp Genetics (formerly Invitae), Labcorp
Classification: Uncertain significance for Dystonia 12. Last evaluated: 2018-10-23. Review status: criteria provided, single submitter. Criteria: Invitae Variant Classification Sherloc (09022015). Collection method: clinical testing. Allele origin: germline.
Comment: Algorithms developed to predict the effect of missense changes on protein structure and function are either unavailable or do not agree on the potential impact of this missense change (SIFT: "Deleterious"; PolyPhen-2: "Probably Damaging"; Align-GVGD: "Class C0"). In summary, the available evidence is currently insufficient to determine the role of this variant in disease. Therefore, it has been classified as a Variant of Uncertain Significance. This variant is not present in population databases (ExAC no frequency). This variant has not been reported in the literature in individuals with ATP1A3-related disease. This sequence change replaces threonine with isoleucine at codon 368 of the ATP1A3 protein (p.Thr368Ile). The threonine residue is highly conserved and there is a moderate physicochemical difference between threonine and isoleucine.